The following is an entry in ClinVar:

ClinVar aggregate classification (germline): Uncertain significance. Review status: criteria provided, multiple submitters, no conflicts (2 of 4 stars). 2 submissions from 2 submitters: Uncertain significance (2). Last evaluated 2025-06-29.

Allele frequency attached by ClinVar (database versions not stated): gnomAD exomes 0.00001.

Submissions (2):

Labcorp Genetics (formerly Invitae), Labcorp
Classification: Uncertain significance. Last evaluated: 2025-06-29. Review status: criteria provided, single submitter. Criteria: Invitae Variant Classification Sherloc (09022015). Collection method: clinical testing. Allele origin: germline.
Comment: This sequence change replaces aspartic acid, which is acidic and polar, with glycine, which is neutral and non-polar, at codon 343 of the MYLK3 protein (p.Asp343Gly). The frequency data for this variant in the population databases is considered unreliable, as metrics indicate poor data quality at this position in the gnomAD database. This variant has not been reported in the literature in individuals affected with MYLK3-related conditions. ClinVar contains an entry for this variant (Variation ID: 1356539). An algorithm developed to predict the effect of missense changes on protein structure and function outputs the following: PolyPhen-2: "Benign". The glycine amino acid residue is found in multiple mammalian species, which suggests that this missense change does not adversely affect protein function. In summary, the available evidence is currently insufficient to determine the role of this variant in disease. Therefore, it has been classified as a Variant of Uncertain Significance.

Ambry Genetics
Classification: Uncertain significance. Last evaluated: 2025-02-24. Review status: criteria provided, single submitter. Criteria: Ambry Variant Classification Scheme 2023. Collection method: clinical testing. Allele origin: germline.

NM_182493.3(MYLK3):c.1028A>G (p.Asp343Gly)

Gene: MYLK3 (myosin light chain kinase 3; minus strand). Cytogenetic location: 16q11.2.
Variant type: single nucleotide variant.
Coding change: c.1028A>G on transcript NM_182493.3 (MANE Select); coding-DNA position 1028, A replaced by G.
Protein change: p.Asp343Gly; replaces aspartic acid 343 with glycine.
Molecular consequence: missense variant.
Genome position (GRCh38, 1-based): chr16:46,732,642, T>C on the plus strand (A>G on the coding strand, the complement: MYLK3 is on the minus strand). VCF-style: chr16-46732642-T-C. GRCh37 (hg19) VCF-style: chr16-46766554-T-C.
Other names: c.1028A>G (NM_182493.2); c.5A>G, p.Asp2Gly (NM_001308301.1); short protein forms D343G, D2G.
Identifiers: ClinVar variation 1356539 (VCV001356539.7), dbSNP rs761719450, ClinGen allele CA395793190.